The following is an entry in ClinVar:

NM_001267550.2(TTN):c.77510del (p.Pro25837fs)

Genes: TTN (titin; minus strand), TTN-AS1 (TTN antisense RNA 1; plus strand). Cytogenetic location: 2q31.2.
Variant type: Deletion.
Coding change: c.77510del on transcript NM_001267550.2 (MANE Select); coding-DNA position 77510, one base deleted (C; older notation c.77510delC).
Protein change: p.Pro25837fs; shifts the reading frame from proline 25837.
Molecular consequence: frameshift variant.
Genome position (GRCh38, 1-based): chr2:178,568,622, G deleted on the plus strand (C on the coding strand, the reverse complement: TTN is on the minus strand); the first of 3 consecutive G bases (chr2:178,568,622-178,568,624); deleting any one gives the same sequence. VCF-style (leftmost placement, unchanged base first): chr2-178568621-TG-T. GRCh37 (hg19) VCF-style: chr2-179433348-TG-T.
Other names: c.72587del, p.Pro24196fs (NM_001256850.1); c.50315del, p.Pro16772fs (NM_003319.4); c.69806del, p.Pro23269fs (NM_133378.4); c.50690del, p.Pro16897fs (NM_133432.3); c.50891del, p.Pro16964fs (NM_133437.4); short protein forms P16772fs, P25837fs, P16897fs, P24196fs, P16964fs, P23269fs.
Identifiers: ClinVar variation 2041568 (VCV002041568.4), dbSNP rs2468371283, ClinGen allele CA2580064804.

ClinVar aggregate classification (germline): Likely pathogenic (1 of 4 stars; one submission).

Conditions:
Dilated cardiomyopathy 1G (CMD1G). Identifiers: Orphanet 154, MedGen C1858763, MONDO:0011400, OMIM 604145.
Autosomal recessive limb-girdle muscular dystrophy type 2J (LGMDR10). Also called: MUSCULAR DYSTROPHY, LIMB-GIRDLE, AUTOSOMAL RECESSIVE 10; Limb-girdle muscular dystrophy, type 2J. Identifiers: Orphanet 140922, MedGen C1837342, MONDO:0012127, OMIM 608807.

Submission:

Labcorp Genetics (formerly Invitae), Labcorp
Classification: Likely pathogenic for Dilated cardiomyopathy 1G; Autosomal recessive limb-girdle muscular dystrophy type 2J. Last evaluated: 2025-10-01. Review status: criteria provided, single submitter. Criteria: Invitae Variant Classification Sherloc (09022015). Collection method: clinical testing. Allele origin: germline.
Comment: This sequence change creates a premature translational stop signal (p.Pro25837Hisfs*2) in the TTN gene. While this is not anticipated to result in nonsense mediated decay, it is expected to create a truncated TTN protein. This variant is not present in population databases (gnomAD no frequency). This variant has not been reported in the literature in individuals affected with TTN-related conditions. ClinVar contains an entry for this variant (Variation ID: 2041568). This variant is located in the A band of TTN (PMID: 25589632). Truncating variants in this region are significantly overrepresented in patients affected with dilated cardiomyopathy (PMID: 25589632). Truncating variants in this region have also been reported in individuals affected with autosomal recessive centronuclear myopathy (PMID: 23975875). In summary, the currently available evidence indicates that the variant is pathogenic, but additional data are needed to prove that conclusively. Therefore, this variant has been classified as Likely Pathogenic.

Literature cited by the submitters: PubMed 25589632; PubMed 23975875.